The following is an entry in ClinVar:

NM_004333.6(BRAF):c.111G>A (p.Ser37=)

Gene: BRAF (B-Raf proto-oncogene, serine/threonine kinase; minus strand). Cytogenetic location: 7q34.
Variant type: single nucleotide variant.
Coding change: c.111G>A on transcript NM_004333.6 (MANE Select); coding-DNA position 111, G replaced by A.
Protein change: p.Ser37=; no amino-acid change (serine 37 retained).
Molecular consequence: synonymous variant.
Genome position (GRCh38, 1-based): chr7:140,924,593, C>T on the plus strand (G>A on the coding strand, the complement: BRAF is on the minus strand). VCF-style: chr7-140924593-C-T. GRCh37 (hg19) VCF-style: chr7-140624393-C-T.
Other names: NM_004333.4(BRAF):c.111G>A; c.111G>A, p.Ser37= (NM_001354609.2, NM_001374244.1, NM_001374258.1 and 7 more transcripts).
Identifiers: ClinVar variation 162804 (VCV000162804.16), dbSNP rs727502906, ClinGen allele CA175346.

ClinVar aggregate classification (germline): Likely benign. Review status: reviewed by expert panel (3 of 4 stars). 7 submissions from 7 submitters: Likely benign (1). 6 of the submissions do not count toward it. Last evaluated 2017-04-03.

Conditions:
Cardiovascular phenotype. Identifiers: MedGen CN230736.
RASopathy. Also called: rasopathies; Noonan spectrum disorder. Identifiers: Orphanet 536391, MedGen C5555857, MONDO:0021060.

Allele frequency attached by ClinVar (database versions not stated): TOPMed 0.00006.
gnomAD v4.1: 32 of 1,529,722 alleles (0.0021%); highest among the groups gnomAD compares: African/African-American, 0.0028%; no homozygotes.

Submissions (7):

ClinGen RASopathy Variant Curation Expert Panel
Classification: Likely benign for Noonan syndrome and Noonan-related syndrome. Last evaluated: 2017-04-03. Review status: reviewed by expert panel. Criteria: ClinGen RASopathy ACMG Specifications v1. Collection method: curation. Allele origin: germline. Inheritance: Autosomal dominant inheritance.
Comment: The c.111G>A (p.Ser37=) variant in BRAF is a synonymous (silent) variant at a nucleotide that is not highly conserved and is not predicted to impact splicing (BP7). This variant has been identified in a patient with an alternate molecular basis for disease (BP5; Partners LMM, GeneDx internal data, GTR ID's: SCV000197179.4, SCV000512270.5). In summary, this variant meets criteria to be classified as likely benign. RASopathy-specific ACMG/AMP criteria applied (PMID:29493581): BP7, BP5.

Labcorp Genetics (formerly Invitae), Labcorp
Classification: Likely benign for RASopathy. Last evaluated: 2025-12-08. Review status: criteria provided, single submitter. Criteria: Invitae Variant Classification Sherloc (09022015). Collection method: clinical testing. Allele origin: germline. Not counted in ClinVar's aggregate classification.

Ambry Genetics
Classification: Likely benign for Cardiovascular phenotype. Last evaluated: 2022-08-27. Review status: criteria provided, single submitter. Criteria: Ambry Variant Classification Scheme 2023. Collection method: clinical testing. Allele origin: germline. Not counted in ClinVar's aggregate classification.

GeneDx
Classification: Likely benign. Last evaluated: 2021-04-09. Review status: criteria provided, single submitter. Criteria: GeneDx Variant Classification Process June 2021. Collection method: clinical testing. Allele origin: germline. Affected: yes. Not counted in ClinVar's aggregate classification.

Women's Health and Genetics/Laboratory Corporation of America, LabCorp
Classification: Likely benign. Last evaluated: 2020-01-25. Review status: criteria provided, single submitter. Criteria: LabCorp Variant Classification Summary - May 2015. Collection method: clinical testing. Allele origin: germline. Not counted in ClinVar's aggregate classification.

Laboratory for Molecular Medicine, Mass General Brigham Personalized Medicine
Classification: Likely benign. Last evaluated: 2014-03-07. Review status: criteria provided, single submitter. Criteria: LMM Criteria. Collection method: clinical testing. Allele origin: germline. Observed: 1 variant allele. Not counted in ClinVar's aggregate classification.
Comment: Ser37Ser in exon 1 of BRAF: This variant is not expected to have clinical signif icance because it does not alter an amino acid residue and it is not located wit hin the splice consensus sequence.

Greenwood Genetic Center Diagnostic Laboratories, Greenwood Genetic Center
Classification: Uncertain significance. Last evaluated: 2015-01-15. Review status: no assertion criteria provided. Collection method: clinical testing. Allele origin: germline. Not counted in ClinVar's aggregate classification.